The following is an entry in ClinVar:

NM_001128148.3(TFRC):c.689G>A (p.Gly230Asp)

Gene: TFRC (transferrin receptor; minus strand). Cytogenetic location: 3q29.
Variant type: single nucleotide variant.
Coding change: c.689G>A on transcript NM_001128148.3 (MANE Select); coding-DNA position 689, G replaced by A.
Protein change: p.Gly230Asp; replaces glycine 230 with aspartic acid.
Molecular consequence: missense variant. On other transcripts: 5 prime UTR variant (1).
Genome position (GRCh38, 1-based): chr3:196,069,567, C>T on the plus strand (G>A on the coding strand, the complement: TFRC is on the minus strand). VCF-style: chr3-196069567-C-T. GRCh37 (hg19) VCF-style: chr3-195796438-C-T.
Other names: c.446G>A, p.Gly149Asp (NM_001313965.2); c.-158G>A (NM_001313966.2); c.689G>A, p.Gly230Asp (NM_003234.4); short protein forms G149D, G230D.
Identifiers: ClinVar variation 1499413 (VCV001499413.6), dbSNP rs1337326185, ClinGen allele CA355574642.

ClinVar aggregate classification (germline): Uncertain significance (1 of 4 stars; one submission).

Allele frequency attached by ClinVar (database versions not stated): gnomAD exomes below 0.00001; TOPMed below 0.00001.
gnomAD v4.1: 1 of 1,569,422 alleles (0.000064%); highest among the groups gnomAD compares: Non-Finnish European, 0.000088%; no homozygotes.

Submission:

Labcorp Genetics (formerly Invitae), Labcorp
Classification: Uncertain significance. Last evaluated: 2021-12-02. Review status: criteria provided, single submitter. Criteria: Invitae Variant Classification Sherloc (09022015). Collection method: clinical testing. Allele origin: germline.
Comment: In summary, the available evidence is currently insufficient to determine the role of this variant in disease. Therefore, it has been classified as a Variant of Uncertain Significance. Algorithms developed to predict the effect of missense changes on protein structure and function are either unavailable or do not agree on the potential impact of this missense change (SIFT: "Deleterious"; PolyPhen-2: "Probably Damaging"; Align-GVGD: "Class C0"). This variant has not been reported in the literature in individuals affected with TFRC-related conditions. This variant is not present in population databases (gnomAD no frequency). This sequence change replaces glycine, which is neutral and non-polar, with aspartic acid, which is acidic and polar, at codon 230 of the TFRC protein (p.Gly230Asp).